The following is an entry in ClinVar:

ClinVar aggregate classification (germline): Uncertain significance. Review status: criteria provided, multiple submitters, no conflicts (2 of 4 stars). 2 submissions from 2 submitters: Uncertain significance (2). Last evaluated 2022-07-19.

Conditions:
Congenital myasthenic syndrome 10. Also called: Myasthenia, limb-girdle, familial. Identifiers: Orphanet 590, MedGen C1850792, MONDO:0009690, OMIM 254300.
Fetal akinesia deformation sequence 1 (FADS1). Also called: Pena-Shokeir syndrome type I; Fetal akinesia sequence. Identifiers: Orphanet 994, MedGen C1276035, MONDO:0100101, OMIM 208150, HP:0001989.

Allele frequency attached by ClinVar (database versions not stated): ExAC 0.00002; gnomAD exomes 0.00003; 1000 Genomes Project 30x 0.00016; 1000 Genomes Project 0.00020.
gnomAD v4.1: 16 of 1,594,486 alleles (0.001%); highest among the groups gnomAD compares: African/African-American, 0.015%; no homozygotes.

Submissions (2):

Labcorp Genetics (formerly Invitae), Labcorp
Classification: Uncertain significance for Congenital myasthenic syndrome 10; Fetal akinesia deformation sequence 1. Last evaluated: 2022-07-19. Review status: criteria provided, single submitter. Criteria: Invitae Variant Classification Sherloc (09022015). Collection method: clinical testing. Allele origin: germline.
Comment: This sequence change replaces proline, which is neutral and non-polar, with serine, which is neutral and polar, at codon 381 of the DOK7 protein (p.Pro381Ser). This variant is present in population databases (rs574663125, gnomAD 0.02%). This variant has not been reported in the literature in individuals affected with DOK7-related conditions. ClinVar contains an entry for this variant (Variation ID: 1368815). Algorithms developed to predict the effect of missense changes on protein structure and function output the following: SIFT: "Tolerated"; PolyPhen-2: "Benign"; Align-GVGD: "Class C0". The serine amino acid residue is found in multiple mammalian species, which suggests that this missense change does not adversely affect protein function. In summary, the available evidence is currently insufficient to determine the role of this variant in disease. Therefore, it has been classified as a Variant of Uncertain Significance.

Revvity Omics, Revvity
Classification: Uncertain significance. Last evaluated: 2019-05-16. Review status: criteria provided, single submitter. Criteria: ACMG Guidelines, 2015. Collection method: clinical testing. Allele origin: germline.

NM_173660.5(DOK7):c.1141C>T (p.Pro381Ser)

Gene: DOK7 (docking protein 7; plus strand). Cytogenetic location: 4p16.3.
Variant type: single nucleotide variant.
Coding change: c.1141C>T on transcript NM_173660.5 (MANE Select); coding-DNA position 1141, C replaced by T.
Protein change: p.Pro381Ser; replaces proline 381 with serine.
Molecular consequence: missense variant. On other transcripts: 3 prime UTR variant (1).
Genome position (GRCh38, 1-based): chr4:3,493,127, C>T. VCF-style: chr4-3493127-C-T. GRCh37 (hg19) VCF-style: chr4-3494854-C-T.
Other names: c.*362C>T (NM_001164673.2); c.211C>T, p.Pro71Ser (NM_001256896.2); c.1141C>T, p.Pro381Ser (NM_001301071.2); c.709C>T, p.Pro237Ser (NM_001363811.2); short protein forms P237S, P381S, P71S.
Identifiers: ClinVar variation 1368815 (VCV001368815.7), dbSNP rs574663125, ClinGen allele CA2829382.